The following is an entry in ClinVar:

ClinVar aggregate classification (germline): Uncertain significance. Review status: criteria provided, multiple submitters, no conflicts (2 of 4 stars). 3 submissions from 3 submitters: Uncertain significance (3). Last evaluated 2024-07-25.

Conditions:
Thyroid dyshormonogenesis 6 (TDH6). Also called: THYROID HORMONOGENESIS, GENETIC DEFECT IN, 6; Genetic transient congenital hypothyroidism; HYPOTHYROIDISM, CONGENITAL, DUE TO DYSHORMONOGENESIS, 6. Identifiers: Orphanet 226316, Orphanet 95716, MedGen C1846632, MONDO:0011792, OMIM 607200.
Familial thyroid dyshormonogenesis. Identifiers: Orphanet 95716, MedGen C4273748, MONDO:0010132.

Allele frequency attached by ClinVar (database versions not stated): gnomAD 0.00001; gnomAD exomes 0.00001; ExAC 0.00002.
gnomAD v4.1: 24 of 1,613,902 alleles (0.0015%); highest among the groups gnomAD compares: South Asian, 0.012%; no homozygotes.

Submissions (3):

Labcorp Genetics (formerly Invitae), Labcorp
Classification: Uncertain significance. Last evaluated: 2024-07-25. Review status: criteria provided, single submitter. Criteria: Invitae Variant Classification Sherloc (09022015). Collection method: clinical testing. Allele origin: germline.
Comment: This sequence change replaces glutamic acid, which is acidic and polar, with lysine, which is basic and polar, at codon 1314 of the DUOX2 protein (p.Glu1314Lys). This variant is present in population databases (rs759698581, gnomAD 0.003%). This missense change has been observed in individual(s) with clinical features of DUOX2-related conditions (PMID: 31044655, 33651715). ClinVar contains an entry for this variant (Variation ID: 2506342). Advanced modeling of protein sequence and biophysical properties (such as structural, functional, and spatial information, amino acid conservation, physicochemical variation, residue mobility, and thermodynamic stability) performed at Invitae indicates that this missense variant is expected to disrupt DUOX2 protein function with a positive predictive value of 80%. In summary, the available evidence is currently insufficient to determine the role of this variant in disease. Therefore, it has been classified as a Variant of Uncertain Significance.

Women's Health and Genetics/Laboratory Corporation of America, LabCorp
Classification: Uncertain significance. Last evaluated: 2023-05-04. Review status: criteria provided, single submitter. Criteria: LabCorp Variant Classification Summary - May 2015. Collection method: clinical testing. Allele origin: germline.
Comment: Variant summary: DUOX2 c.3940G>A (p.Glu1314Lys) results in a conservative amino acid change located in the FAD-binding domain (IPR013112) of the encoded protein sequence. Four of five in-silico tools predict a damaging effect of the variant on protein function. The variant allele was found at a frequency of 1.2e-05 in 251486 control chromosomes (gnomAD). The available data on variant occurrences in the general population are insufficient to allow any conclusion about variant significance. c.3940G>A has been reported in the literature in the compound heterozygous state in an individual affected with borderline congenital hypothyroidism (Peters_2019). This report does not provide unequivocal conclusions about association of the variant with Thyroid Dyshormonogenesis. To our knowledge, no experimental evidence demonstrating an impact on protein function has been reported. The following publication has been ascertained in the context of this evaluation (PMID: 31044655). No clinical diagnostic laboratories have submitted clinical-significance assessments for this variant to ClinVar after 2014. Based on the evidence outlined above, the variant was classified as uncertain significance.

Department of Pathology and Laboratory Medicine, Sinai Health System
Classification: Uncertain significance for Familial thyroid dyshormonogenesis; Thyroid dyshormonogenesis 6. Last evaluated: 2023-03-30. Review status: criteria provided, single submitter. Criteria: ACMG Guidelines, 2015. Collection method: research. Allele origin: germline.

Literature cited by the submitters: PubMed 31044655 (cited by Labcorp Genetics (formerly Invitae), Labcorp and Women's Health and Genetics/Laboratory Corporation of America, LabCorp); PubMed 33651715 (cited by Labcorp Genetics (formerly Invitae), Labcorp).

NM_001363711.2(DUOX2):c.3940G>A (p.Glu1314Lys)

Gene: DUOX2 (dual oxidase 2; minus strand). Cytogenetic location: 15q21.1.
Variant type: single nucleotide variant.
Coding change: c.3940G>A on transcript NM_001363711.2 (MANE Select); coding-DNA position 3940, G replaced by A.
Protein change: p.Glu1314Lys; replaces glutamic acid 1314 with lysine.
Molecular consequence: missense variant.
Genome position (GRCh38, 1-based): chr15:45,095,968, C>T on the plus strand (G>A on the coding strand, the complement: DUOX2 is on the minus strand). VCF-style: chr15-45095968-C-T. GRCh37 (hg19) VCF-style: chr15-45388166-C-T.
Other names: c.3940G>A, p.Glu1314Lys (NM_014080.5); short protein forms E1314K.
Identifiers: ClinVar variation 2506342 (VCV002506342.4), dbSNP rs759698581, ClinGen allele CA7537685.